The following is an entry in ClinVar:

NM_001379500.1(COL18A1):c.3599G>A (p.Gly1200Asp)

Genes: COL18A1 (collagen type XVIII alpha 1 chain; plus strand), SLC19A1 (solute carrier family 19 member 1; minus strand). Cytogenetic location: 21q22.3.
Variant type: single nucleotide variant.
Coding change: c.3599G>A on transcript NM_001379500.1 (MANE Select); coding-DNA position 3599, G replaced by A.
Protein change: p.Gly1200Asp; replaces glycine 1200 with aspartic acid.
Molecular consequence: missense variant.
Genome position (GRCh38, 1-based): chr21:45,510,167, G>A. VCF-style: chr21-45510167-G-A. GRCh37 (hg19) VCF-style: chr21-46930081-G-A.
Other names: c.4130G>A, p.Gly1377Asp (NM_030582.4); c.4835G>A, p.Gly1612Asp (NM_130444.3); short protein forms G1377D, G1200D, G1612D.
Identifiers: ClinVar variation 1378734 (VCV001378734.6), dbSNP rs1242817053, ClinGen allele CA410501649.
Genomic context (GRCh38, chr21:45,510,167, plus strand): 5'-GGGGCATCCGCGGGGCCGACTTCCAGTGCTTCCAGCAGGCGCGGGCCGTGGGGCTGGCGG[G>A]CACCTTCCGCGCCTTCCTGTCCTCGCGCCTGCAGGACCTGTACAGCATCGTGCGCCGTGC-3'
Protein context (NP_001366429.1, residues 1190-1210): FQQARAVGLA[Gly1200Asp]TFRAFLSSRL

ClinVar aggregate classification (germline): Uncertain significance (1 of 4 stars; one submission).

Submission:

Labcorp Genetics (formerly Invitae), Labcorp
Classification: Uncertain significance. Last evaluated: 2021-03-29. Review status: criteria provided, single submitter. Criteria: Invitae Variant Classification Sherloc (09022015). Collection method: clinical testing. Allele origin: germline.
Comment: In summary, the available evidence is currently insufficient to determine the role of this variant in disease. Therefore, it has been classified as a Variant of Uncertain Significance. Experimental studies and prediction algorithms are not available or were not evaluated, and the functional significance of this variant is currently unknown. This variant has not been reported in the literature in individuals with COL18A1-related conditions. This variant is not present in population databases (ExAC no frequency). This sequence change replaces glycine with aspartic acid at codon 1197 of the COL18A1 protein (p.Gly1197Asp). The glycine residue is highly conserved and there is a moderate physicochemical difference between glycine and aspartic acid.